The following is an entry in ClinVar:

NM_015450.3(POT1):c.1796C>A (p.Ala599Glu)

Gene: POT1 (protection of telomeres 1; minus strand). Cytogenetic location: 7q31.33.
Variant type: single nucleotide variant.
Coding change: c.1796C>A on transcript NM_015450.3 (MANE Select); coding-DNA position 1796, C replaced by A.
Protein change: p.Ala599Glu; replaces alanine 599 with glutamic acid.
Molecular consequence: missense variant. On other transcripts: non-coding transcript variant (3).
Genome position (GRCh38, 1-based): chr7:124,824,071, G>T on the plus strand (C>A on the coding strand, the complement: POT1 is on the minus strand). VCF-style: chr7-124824071-G-T. GRCh37 (hg19) VCF-style: chr7-124464125-G-T.
Other names: c.1403C>A, p.Ala468Glu (NM_001042594.2); short protein forms A468E, A599E.
Identifiers: ClinVar variation 1780263 (VCV001780263.2), dbSNP rs2485333410, ClinGen allele CA369061346.
Genomic context (GRCh38, chr7:124,824,071, plus strand): 5'-TGATTATCTGTTCCATTTGTGACATTGTATGACTTGATGAAGCATTCCAACCACGGATAT[G>T]CATCTACAAAAACAAAAACAAAAAAAGCGATTTAACCATTAAAACAAAATAAATAACTCT-3'
Protein context (NP_056265.2, residues 589-609): MFCPPGIKID[Ala599Glu]YPWLECFIKS

ClinVar aggregate classification (germline): Uncertain significance (1 of 4 stars; one submission).

Conditions:
Hereditary cancer-predisposing syndrome. Also called: Neoplastic Syndromes, Hereditary; Tumor predisposition; Hereditary Cancer Syndrome; Hereditary neoplastic syndrome. Identifiers: Orphanet 140162, MedGen C0027672, MeSH D009386, MONDO:0015356.

gnomAD v4.1: 1 of 1,574,338 alleles (0.000064%); highest among the groups gnomAD compares: Non-Finnish European, 0.000087%; no homozygotes.

Submission:

Ambry Genetics
Classification: Uncertain significance for Hereditary cancer-predisposing syndrome. Last evaluated: 2023-10-10. Review status: criteria provided, single submitter. Criteria: Ambry Variant Classification Scheme 2023. Collection method: clinical testing. Allele origin: germline.
Comment: The p.A599E variant (also known as c.1796C>A), located in coding exon 15 of the POT1 gene, results from a C to A substitution at nucleotide position 1796. The alanine at codon 599 is replaced by glutamic acid, an amino acid with dissimilar properties. This amino acid position is not well conserved in available vertebrate species. In addition, this alteration is predicted to be tolerated by in silico analysis. Since supporting evidence is limited at this time, the clinical significance of this alteration remains unclear.